The following is an entry in ClinVar:

NM_001367624.2(ZNF469):c.9373C>T (p.Arg3125Cys)

Gene: ZNF469 (zinc finger protein 469; plus strand). Cytogenetic location: 16q24.2.
Variant type: single nucleotide variant.
Coding change: c.9373C>T on transcript NM_001367624.2 (MANE Select); coding-DNA position 9373, C replaced by T.
Protein change: p.Arg3125Cys; replaces arginine 3125 with cysteine.
Molecular consequence: missense variant.
Genome position (GRCh38, 1-based): chr16:88,436,843, C>T. VCF-style: chr16-88436843-C-T. GRCh37 (hg19) VCF-style: chr16-88503251-C-T.
Other names: NM_001127464.1:c.9289C>T; NM_001127464.2:c.9289C>T; p.Arg3125Cys; short protein forms R3125C.
Identifiers: ClinVar variation 321005 (VCV000321005.64), dbSNP rs543370102, ClinGen allele CA8225427.
Genomic context (GRCh38, chr16:88,436,843, plus strand): 5'-GGCCGGCCGGCCAAGGGCAGGCGGGCCTCCTACAAGTGCAAAGTGTGCTTCCAGCGCTTC[C>T]GCAGCCTGGGCGAGCTGGACCTGCACAAGCTGGCCCACACGCCCGCGCCGCCGCCCACCT-3'
Protein context (NP_001354553.1, residues 3115-3135): YKCKVCFQRF[Arg3125Cys]SLGELDLHKL

ClinVar aggregate classification (germline): Conflicting classifications of pathogenicity. Review status: criteria provided, conflicting classifications (1 of 4 stars). 10 submissions from 10 submitters: Uncertain significance (3); Likely benign (6). 1 of the submissions does not count toward it. Last evaluated 2026-10-01.

Conditions:
Cardiovascular phenotype. Identifiers: MedGen CN230736.
Ehlers-Danlos syndrome (EDS). Identifiers: Orphanet 98249, MedGen C0013720, MONDO:0020066.
Brittle cornea syndrome 1 (BCS1). Also called: Corneal fragility keratoglobus, blue sclerae AND joint hypermobility; DYSGENESIS MESODERMALIS CORNEAE ET SCLERAE; CORNEAL FRAGILITY, KERATOGLOBUS, BLUE SCLERAE, JOINT HYPEREXTENSIBILITY; EDS6B; FRAGILITAS OCULI WITH JOINT HYPEREXTENSIBILITY. Identifiers: Orphanet 90354, MedGen C0268344, MONDO:0024543, OMIM 229200.
ZNF469-related disorder. Also called: ZNF469-related condition.

Allele frequency attached by ClinVar (database versions not stated): ExAC 0.00019; gnomAD exomes 0.00074 and 0.00106; gnomAD 0.00092 and 0.00093; 1000 Genomes Project 0.00100; TOPMed 0.00108; 1000 Genomes Project 30x 0.00125.
gnomAD v4.1: 1,151 of 1,532,950 alleles (0.075%); highest among the groups gnomAD compares: Admixed American, 0.31%; no homozygotes.

Submissions (10):

CeGaT Center for Human Genetics Tuebingen
Classification: Likely benign. Last evaluated: 2026-10-01. Review status: criteria provided, single submitter. Criteria: CeGaT Center For Human Genetics Tuebingen Variant Classification Criteria Version 2. Collection method: clinical testing. Allele origin: germline. Affected: yes. Observed: 7 variant alleles.
Comment: ZNF469: BP4, BS1

Women's Health and Genetics/Laboratory Corporation of America, LabCorp
Classification: Likely benign. Last evaluated: 2026-04-21. Review status: criteria provided, single submitter. Criteria: LabCorp Variant Classification Summary - May 2015. Collection method: clinical testing. Allele origin: germline.
Comment: Variant summary: ZNF469 c.9373C>T (p.Arg3125Cys) results in a non-conservative amino acid change in the encoded protein sequence. Algorithms developed to predict the effect of missense changes on protein structure and function are either unavailable or do not agree on the potential impact of this missense change. The variant allele was found at a frequency of 0.0011 in 133334 control chromosomes, predominantly at a frequency of 0.0033 within the Latino subpopulation in the gnomAD database. The observed variant frequency within Latino control individuals in the gnomAD database exceeds the estimated maximal expected allele frequency for disease-causing variants in ZNF469. To our knowledge, no occurrence of c.9373C>T in individuals affected with ZNF469-related conditions and no experimental evidence demonstrating its impact on protein function have been reported. ClinVar contains an entry for this variant (Variation ID: 321005). Based on the evidence outlined above, the variant was classified as likely benign.

Labcorp Genetics (formerly Invitae), Labcorp
Classification: Likely benign. Last evaluated: 2026-02-04. Review status: criteria provided, single submitter. Criteria: Invitae Variant Classification Sherloc (09022015). Collection method: clinical testing. Allele origin: germline.

Mayo Clinic Laboratories, Mayo Clinic
Classification: Likely benign. Last evaluated: 2025-12-12. Review status: criteria provided, single submitter. Criteria: ACMG Guidelines, 2015. Collection method: clinical testing. Allele origin: germline. Observed: 8 variant alleles.
Comment: BS1, BP4

Blueprint Genetics
Classification: Likely benign. Last evaluated: 2024-11-15. Review status: criteria provided, single submitter. Criteria: ACMG Guidelines, 2015. Collection method: clinical testing. Allele origin: germline.

Department of Pathology and Laboratory Medicine, Sinai Health System
Classification: Uncertain significance for Brittle cornea syndrome 1. Last evaluated: 2022-04-08. Review status: criteria provided, single submitter. Criteria: ACMG Guidelines, 2015. Collection method: research. Allele origin: germline.

GeneDx
Classification: Uncertain significance. Last evaluated: 2021-07-21. Review status: criteria provided, single submitter. Criteria: GeneDx Variant Classification Process June 2021. Collection method: clinical testing. Allele origin: germline. Affected: yes.
Comment: Has not been previously published as pathogenic or benign to our knowledge Identified independently and in conjunction with additional cardiogenetic variants in individuals referred for connective tissue disorder testing at GeneDx, but segregation data is limited or absent at this time Observed in 0.322% (79/24536 alleles) in the gnomAD dataset, which is greater than expected for this disorder (Lek et al., 2016) In silico analysis supports that this missense variant has a deleterious effect on protein structure/function

Genome Diagnostics Laboratory, The Hospital for Sick Children
Classification: Uncertain significance for Ehlers-Danlos syndrome. Last evaluated: 2020-11-03. Review status: criteria provided, single submitter. Criteria: ACMG Guidelines, 2015. Collection method: clinical testing. Allele origin: germline.

Ambry Genetics
Classification: Likely benign for Cardiovascular phenotype. Last evaluated: 2019-03-25. Review status: criteria provided, single submitter. Criteria: Ambry Variant Classification Scheme 2023. Collection method: clinical testing. Allele origin: germline.

PreventionGenetics, part of Exact Sciences
Classification: Likely benign for ZNF469-related condition. Last evaluated: 2024-07-03. Review status: no assertion criteria provided. Collection method: clinical testing. Allele origin: germline. Not counted in ClinVar's aggregate classification.
Comment: This variant is classified as likely benign based on ACMG/AMP sequence variant interpretation guidelines (Richards et al. 2015 PMID: 25741868, with internal and published modifications).